The following is an entry in ClinVar:

NM_020759.3(STARD9):c.8461G>C (p.Val2821Leu)

Gene: STARD9 (StAR related lipid transfer domain containing 9; plus strand). Cytogenetic location: 15q15.2.
Variant type: single nucleotide variant.
Coding change: c.8461G>C on transcript NM_020759.3 (MANE Select); coding-DNA position 8461, G replaced by C.
Protein change: p.Val2821Leu; replaces valine 2821 with leucine.
Molecular consequence: missense variant.
Genome position (GRCh38, 1-based): chr15:42,690,039, G>C. VCF-style: chr15-42690039-G-C. GRCh37 (hg19) VCF-style: chr15-42982237-G-C.
Other names: short protein forms V2821L.
Identifiers: ClinVar variation 3035320 (VCV003035320.2), dbSNP rs201340789, ClinGen allele CA7514601.

ClinVar aggregate classification (germline): Likely benign (0 of 4 stars; one submission).

Conditions:
STARD9-related disorder. Also called: STARD9-related condition.

Allele frequency attached by ClinVar (database versions not stated): 1000 Genomes Project 30x 0.00062; 1000 Genomes Project 0.00080; ExAC 0.00116; gnomAD 0.00171; ESP Exome Variant Server 0.00197; TOPMed 0.00203.
gnomAD v4.1: 3,961 of 1,537,486 alleles (0.26%); highest among the groups gnomAD compares: Non-Finnish European, 0.32%; 9 homozygotes.

Submission:

PreventionGenetics, part of Exact Sciences
Classification: Likely benign for STARD9-related condition. Last evaluated: 2023-05-16. Review status: no assertion criteria provided. Collection method: clinical testing. Allele origin: germline.
Comment: This variant is classified as likely benign based on ACMG/AMP sequence variant interpretation guidelines (Richards et al. 2015 PMID: 25741868, with internal and published modifications).